The following is an entry in ClinVar:

ClinVar aggregate classification (germline): Likely benign. Review status: criteria provided, single submitter (1 of 4 stars). 2 submissions from 2 submitters: Likely benign (1). 1 of the submissions does not count toward it. Last evaluated 2025-08-04.

Conditions:
AKR1C4-related disorder. Also called: AKR1C4-related condition.

Allele frequency attached by ClinVar (database versions not stated): 1000 Genomes Project 30x 0.00078; 1000 Genomes Project 0.00080; ESP Exome Variant Server 0.00085; gnomAD 0.00087; TOPMed 0.00097.
gnomAD v4.1: 446 of 1,614,060 alleles (0.028%); highest among the groups gnomAD compares: African/African-American, 0.3%; 1 homozygote.

Submissions (2):

Labcorp Genetics (formerly Invitae), Labcorp
Classification: Likely benign. Last evaluated: 2025-08-04. Review status: criteria provided, single submitter. Criteria: Invitae Variant Classification Sherloc (09022015). Collection method: clinical testing. Allele origin: germline.

PreventionGenetics, part of Exact Sciences
Classification: Likely benign for AKR1C4-related condition. Last evaluated: 2023-12-27. Review status: no assertion criteria provided. Collection method: clinical testing. Allele origin: germline. Not counted in ClinVar's aggregate classification.
Comment: This variant is classified as likely benign based on ACMG/AMP sequence variant interpretation guidelines (Richards et al. 2015 PMID: 25741868, with internal and published modifications).

NM_001818.5(AKR1C4):c.227G>C (p.Arg76Thr)

Gene: AKR1C4 (aldo-keto reductase family 1 member C4; plus strand). Cytogenetic location: 10p15.1.
Variant type: single nucleotide variant.
Coding change: c.227G>C on transcript NM_001818.5 (MANE Select); coding-DNA position 227, G replaced by C.
Protein change: p.Arg76Thr; replaces arginine 76 with threonine.
Molecular consequence: missense variant.
Genome position (GRCh38, 1-based): chr10:5,200,323, G>C. VCF-style: chr10-5200323-G-C. GRCh37 (hg19) VCF-style: chr10-5242286-G-C.
Other names: c.227G>C (NM_001818.3); short protein forms R76T.
Identifiers: ClinVar variation 2057338 (VCV002057338.6), dbSNP rs139370478, ClinGen allele CA5391319.